The following is an entry in ClinVar:

ClinVar aggregate classification (germline): Benign/Likely benign. Review status: criteria provided, multiple submitters, no conflicts (2 of 4 stars). 4 submissions from 4 submitters: Benign (2); Likely benign (2). Last evaluated 2026-01-07.

Conditions:
D-2-hydroxyglutaric aciduria 2 (D2HGA2). Identifiers: Orphanet 79315, MedGen C3150909, MONDO:0013345, OMIM 613657.

Allele frequency attached by ClinVar (database versions not stated): ESP Exome Variant Server 0.00008; gnomAD exomes 0.00043 and 0.00099; gnomAD 0.00049 and 0.00065; TOPMed 0.00053; ExAC 0.00057; 1000 Genomes Project 30x 0.00219; 1000 Genomes Project 0.00220.
gnomAD v4.1: 726 of 1,552,396 alleles (0.047%); highest among the groups gnomAD compares: East Asian, 1%; 5 homozygotes.

Submissions (4):

Labcorp Genetics (formerly Invitae), Labcorp
Classification: Benign for D-2-hydroxyglutaric aciduria 2. Last evaluated: 2026-01-07. Review status: criteria provided, single submitter. Criteria: Invitae Variant Classification Sherloc (09022015). Collection method: clinical testing. Allele origin: germline.

CeGaT Center for Human Genetics Tuebingen
Classification: Likely benign. Last evaluated: 2025-10-01. Review status: criteria provided, single submitter. Criteria: CeGaT Center For Human Genetics Tuebingen Variant Classification Criteria Version 2. Collection method: clinical testing. Allele origin: germline. Affected: yes. Observed: 1 variant allele.
Comment: IDH2: BP4, BP7, BS1

Blueprint Genetics
Classification: Likely benign. Last evaluated: 2024-09-18. Review status: criteria provided, single submitter. Criteria: ACMG Guidelines, 2015. Collection method: clinical testing. Allele origin: germline.

Genetic Services Laboratory, University of Chicago
Classification: Benign. Last evaluated: 2017-09-25. Review status: criteria provided, single submitter. Criteria: ACMG Guidelines, 2015. Collection method: clinical testing. Allele origin: germline. Affected: no.

NM_002168.4(IDH2):c.1038C>T (p.Ala346=)

Gene: IDH2 (isocitrate dehydrogenase (NADP(+)) 2; minus strand). Cytogenetic location: 15q26.1.
Variant type: single nucleotide variant.
Coding change: c.1038C>T on transcript NM_002168.4 (MANE Select); coding-DNA position 1038, C replaced by T.
Protein change: p.Ala346=; no amino-acid change (alanine 346 retained).
Molecular consequence: synonymous variant.
Genome position (GRCh38, 1-based): chr15:90,085,317, G>A on the plus strand (C>T on the coding strand, the complement: IDH2 is on the minus strand). VCF-style: chr15-90085317-G-A. GRCh37 (hg19) VCF-style: chr15-90628549-G-A.
Other names: c.882C>T, p.Ala294= (NM_001289910.1); c.648C>T, p.Ala216= (NM_001290114.2).
Identifiers: ClinVar variation 211173 (VCV000211173.24), dbSNP rs190078206, ClinGen allele CA208169.
Genomic context (GRCh38, chr15:90,085,317, plus strand): 5'-CCCATGCCCTGCACTCACCTTCTGGTGCTCCCGATAGTGGCGGGTGACGGTCCCATGAGC[G>A]GCCTCAGCCTCAATCGTCTTCCCATCAGGGCAGACCAGGACGGACGTCATCAGGCCAAGG-3'
Protein context (NP_002159.2, residues 336-356): CPDGKTIEAE[Ala346=]AHGTVTRHYR